The following is an entry in ClinVar:

ClinVar aggregate classification (germline): Likely benign. Review status: criteria provided, multiple submitters, no conflicts (2 of 4 stars). 2 submissions from 2 submitters: Likely benign (2). Last evaluated 2026-07-08.

Conditions:
PCLO-related disorder. Also called: PCLO-related condition.

Allele frequency attached by ClinVar (database versions not stated): ExAC 0.00027; 1000 Genomes Project 30x 0.00078; 1000 Genomes Project 0.00080; gnomAD 0.00008 and 0.00011; TOPMed 0.00017; gnomAD exomes 0.00026.
gnomAD v4.1: 89 of 1,608,472 alleles (0.0055%); highest among the groups gnomAD compares: East Asian, 0.19%; 1 homozygote.

Submissions (2):

PreventionGenetics, part of Exact Sciences
Classification: Likely benign for PCLO-related condition. Last evaluated: 2026-07-08. Review status: criteria provided, single submitter. Criteria: ACMG Guidelines, 2015. Collection method: clinical testing. Allele origin: germline.
Comment: This variant is classified as likely benign based on ACMG/AMP sequence variant interpretation guidelines (Richards et al. 2015 PMID: 25741868, with internal and published modifications).

Labcorp Genetics (formerly Invitae), Labcorp
Classification: Likely benign. Last evaluated: 2025-06-23. Review status: criteria provided, single submitter. Criteria: Invitae Variant Classification Sherloc (09022015). Collection method: clinical testing. Allele origin: germline.

NM_033026.6(PCLO):c.15425A>G (p.His5142Arg)

Gene: PCLO (piccolo presynaptic cytomatrix protein; minus strand). Cytogenetic location: 7q21.11.
Variant type: single nucleotide variant.
Coding change: c.15425A>G on transcript NM_033026.6 (MANE Select); coding-DNA position 15425, A replaced by G.
Protein change: p.His5142Arg; replaces histidine 5142 with arginine.
Molecular consequence: missense variant.
Genome position (GRCh38, 1-based): chr7:82,758,579, T>C on the plus strand (A>G on the coding strand, the complement: PCLO is on the minus strand). VCF-style: chr7-82758579-T-C. GRCh37 (hg19) VCF-style: chr7-82387895-T-C.
Other names: c.15425A>G (NM_033026.5); short protein forms H5142R.
Identifiers: ClinVar variation 1542368 (VCV001542368.9), dbSNP rs141283244, ClinGen allele CA4318542.